The following is an entry in ClinVar:

ClinVar aggregate classification (germline): Uncertain significance. Review status: criteria provided, multiple submitters, no conflicts (2 of 4 stars). 2 submissions from 2 submitters: Uncertain significance (2). Last evaluated 2024-10-21.

Conditions:
Early-infantile DEE. Also called: Early infantile epileptic encephalopathy; Early infantile epileptic encephalopathy with suppression bursts; Ohtahara syndrome. Identifiers: Orphanet 1934, MedGen C0393706, MONDO:0800491.

Allele frequency attached by ClinVar (database versions not stated): gnomAD exomes below 0.00001 and 0.00001; gnomAD 0.00002; TOPMed 0.00002.
gnomAD v4.1: 13 of 1,609,986 alleles (0.00081%); highest among the groups gnomAD compares: South Asian, 0.0044%; no homozygotes.

Submissions (2):

Labcorp Genetics (formerly Invitae), Labcorp
Classification: Uncertain significance for Early-infantile DEE. Last evaluated: 2024-10-21. Review status: criteria provided, single submitter. Criteria: Invitae Variant Classification Sherloc (09022015). Collection method: clinical testing. Allele origin: germline.
Comment: This sequence change replaces arginine, which is basic and polar, with glutamine, which is neutral and polar, at codon 164 of the ARHGEF15 protein (p.Arg164Gln). The frequency data for this variant in the population databases is considered unreliable, as metrics indicate poor data quality at this position in the gnomAD database. This variant has not been reported in the literature in individuals affected with ARHGEF15-related conditions. ClinVar contains an entry for this variant (Variation ID: 403971). An algorithm developed to predict the effect of missense changes on protein structure and function (PolyPhen-2) suggests that this variant is likely to be tolerated. In summary, the available evidence is currently insufficient to determine the role of this variant in disease. Therefore, it has been classified as a Variant of Uncertain Significance.

Ambry Genetics
Classification: Uncertain significance. Last evaluated: 2021-07-26. Review status: criteria provided, single submitter. Criteria: Ambry Variant Classification Scheme 2023. Collection method: clinical testing. Allele origin: germline.

NM_173728.4(ARHGEF15):c.491G>A (p.Arg164Gln)

Gene: ARHGEF15 (Rho guanine nucleotide exchange factor 15; plus strand). Cytogenetic location: 17p13.1.
Variant type: single nucleotide variant.
Coding change: c.491G>A on transcript NM_173728.4 (MANE Select); coding-DNA position 491, G replaced by A.
Protein change: p.Arg164Gln; replaces arginine 164 with glutamine.
Molecular consequence: missense variant.
Genome position (GRCh38, 1-based): chr17:8,312,530, G>A. VCF-style: chr17-8312530-G-A. GRCh37 (hg19) VCF-style: chr17-8215848-G-A.
Other names: c.491G>A, p.Arg164Gln (NM_025014.2); short protein forms R164Q.
Identifiers: ClinVar variation 403971 (VCV000403971.10), dbSNP rs1060500050, ClinGen allele CA16615747.